The following is an entry in ClinVar:

NM_206933.4(USH2A):c.11389+15del

Gene: USH2A (usherin; minus strand). Cytogenetic location: 1q41.
Variant type: Deletion.
Coding change: c.11389+15del on transcript NM_206933.4 (MANE Select); 15 bases into the intron after coding-DNA position 11389, one base deleted (G; older notation c.11389+15delG).
Molecular consequence: intron variant.
Genome position (GRCh38, 1-based): chr1:215,758,580, C deleted on the plus strand (G on the coding strand, the reverse complement: USH2A is on the minus strand). VCF-style (leftmost placement, unchanged base first): chr1-215758579-TC-T. GRCh37 (hg19) VCF-style: chr1-215931921-TC-T.
Identifiers: ClinVar variation 48371 (VCV000048371.5), dbSNP rs397517972, ClinGen allele CA143253.

ClinVar aggregate classification (germline): Likely benign (1 of 4 stars; one submission).

Submission:

Laboratory for Molecular Medicine, Mass General Brigham Personalized Medicine
Classification: Likely benign. Last evaluated: 2012-07-23. Review status: criteria provided, single submitter. Criteria: LMM Criteria. Collection method: clinical testing. Allele origin: germline. Observed: 1 variant allele.
Comment: 11389+15delG in intron 58 of USH2A: This variant is not expected to have clinica l significance because it is not located within the conserved region of the spli ce consensus sequence.